The following is an entry in ClinVar:

ClinVar aggregate classification (germline): Uncertain significance. Review status: criteria provided, multiple submitters, no conflicts (2 of 4 stars). 2 submissions from 2 submitters: Uncertain significance (2). Last evaluated 2025-07-30.

gnomAD v4.1: 18 of 1,611,478 alleles (0.0011%); highest among the groups gnomAD compares: Admixed American, 0.012%; no homozygotes.

Submissions (2):

Labcorp Genetics (formerly Invitae), Labcorp
Classification: Uncertain significance. Last evaluated: 2025-07-30. Review status: criteria provided, single submitter. Criteria: Invitae Variant Classification Sherloc (09022015). Collection method: clinical testing. Allele origin: germline.
Comment: This sequence change replaces leucine, which is neutral and non-polar, with proline, which is neutral and non-polar, at codon 1038 of the FBN3 protein (p.Leu1038Pro). This variant is present in population databases (rs566965706, gnomAD 0.003%). This variant has not been reported in the literature in individuals affected with FBN3-related conditions. ClinVar contains an entry for this variant (Variation ID: 3277991). Invitae Evidence Modeling of protein sequence and biophysical properties (such as structural, functional, and spatial information, amino acid conservation, physicochemical variation, residue mobility, and thermodynamic stability) indicates that this missense variant is expected to disrupt FBN3 protein function with a positive predictive value of 80%. In summary, the available evidence is currently insufficient to determine the role of this variant in disease. Therefore, it has been classified as a Variant of Uncertain Significance.

Ambry Genetics
Classification: Uncertain significance. Last evaluated: 2024-03-20. Review status: criteria provided, single submitter. Criteria: Ambry Variant Classification Scheme 2023. Collection method: clinical testing. Allele origin: germline.

NM_032447.5(FBN3):c.3113T>C (p.Leu1038Pro)

Gene: FBN3 (fibrillin 3; minus strand). Cytogenetic location: 19p13.2.
Variant type: single nucleotide variant.
Coding change: c.3113T>C on transcript NM_032447.5 (MANE Select); coding-DNA position 3113, T replaced by C.
Protein change: p.Leu1038Pro; replaces leucine 1038 with proline.
Molecular consequence: missense variant.
Genome position (GRCh38, 1-based): chr19:8,121,356, A>G on the plus strand (T>C on the coding strand, the complement: FBN3 is on the minus strand). VCF-style: chr19-8121356-A-G. GRCh37 (hg19) VCF-style: chr19-8186240-A-G.
Other names: c.3113T>C, p.Leu1038Pro (NM_001321431.2); short protein forms L1038P.
Identifiers: ClinVar variation 3277991 (VCV003277991.2).